The following is an entry in ClinVar:

ClinVar aggregate classification (germline): Benign/Likely benign. Review status: criteria provided, multiple submitters, no conflicts (2 of 4 stars). 3 submissions from 3 submitters: Benign (1); Likely benign (2). Last evaluated 2026-07-09.

Conditions:
Hereditary cancer-predisposing syndrome. Also called: Tumor predisposition; Neoplastic Syndromes, Hereditary; Hereditary Cancer Syndrome; Hereditary neoplastic syndrome. Identifiers: Orphanet 140162, MedGen C0027672, MeSH D009386, MONDO:0015356.
Rhabdoid tumor predisposition syndrome 2 (RTPS2). Identifiers: Orphanet 231108, Orphanet 69077, MedGen C2750074, MONDO:0013224, OMIM 613325.

Allele frequency attached by ClinVar (database versions not stated): TOPMed 0.00005.
gnomAD v4.1: 13 of 1,613,548 alleles (0.00081%); highest among the groups gnomAD compares: African/African-American, 0.017%; no homozygotes.

Submissions (3):

Myriad Genetics, Inc.
Classification: Benign for Rhabdoid tumor predisposition syndrome 2. Last evaluated: 2026-07-09. Review status: criteria provided, single submitter. Criteria: Myriad Autosomal Dominant, Autosomal Recessive and X-Linked Classification Criteria (2023). Collection method: clinical testing. Allele origin: unknown.
Comment: This variant is considered benign. This variant is a silent/synonymous amino acid change and it is not expected to impact splicing.

Labcorp Genetics (formerly Invitae), Labcorp
Classification: Likely benign for Rhabdoid tumor predisposition syndrome 2. Last evaluated: 2025-12-30. Review status: criteria provided, single submitter. Criteria: Invitae Variant Classification Sherloc (09022015). Collection method: clinical testing. Allele origin: germline.

Ambry Genetics
Classification: Likely benign for Hereditary cancer-predisposing syndrome. Last evaluated: 2016-01-30. Review status: criteria provided, single submitter. Criteria: Ambry Variant Classification Scheme 2023. Collection method: clinical testing. Allele origin: germline.

NM_003072.5(SMARCA4):c.459G>T (p.Pro153=)

Gene: SMARCA4 (SWI/SNF related BAF chromatin remodeling complex subunit ATPase 4; plus strand). Cytogenetic location: 19p13.2.
Variant type: single nucleotide variant.
Coding change: c.459G>T on transcript NM_003072.5 (MANE Select); coding-DNA position 459, G replaced by T.
Protein change: p.Pro153=; no amino-acid change (proline 153 retained).
Molecular consequence: synonymous variant. On other transcripts: non-coding transcript variant (1).
Genome position (GRCh38, 1-based): chr19:10,986,292, G>T. VCF-style: chr19-10986292-G-T. GRCh37 (hg19) VCF-style: chr19-11096968-G-T.
Other names: c.459G>T, p.Pro153= (NM_001128844.3, NM_001128845.2, NM_001128846.2 and 5 more transcripts).
Identifiers: ClinVar variation 470406 (VCV000470406.17), dbSNP rs372931195, ClinGen allele CA9203513.